The following is an entry in ClinVar:

ClinVar aggregate classification (germline): Likely pathogenic (1 of 4 stars; one submission).
ClinVar aggregate classification (oncogenicity): Uncertain significance (1 of 4 stars; one submission).

Conditions:
Ataxia-telangiectasia syndrome (AT). Also called: AT, COMPLEMENTATION GROUP C; Ataxia telangiectasia (A-T); LOUIS-BAR SYNDROME; Ataxia-telangiectasia, complementation group D; Ataxia-telangiectasia, complementation group E; ATAXIA-TELANGIECTASIA, COMPLEMENTATION GROUP A. Identifiers: Orphanet 100, MedGen C0004135, MONDO:0008840, OMIM 208900.
Neoplasm. Also called: tumor; Neoplasms; Neoplasm (disease). Identifiers: MedGen C0027651, MeSH D009369, MONDO:0005070, HP:0002664.

Submissions (2):

Center for Genomic Medicine, Rigshospitalet, Copenhagen University Hospital
Classification: Uncertain significance for Neoplasm. Last evaluated: 2025-12-29. Review status: criteria provided, single submitter. Criteria: ClinGen/CGC/VICC Guidelines for Oncogenicity, 2022. Collection method: clinical testing. Allele origin: somatic. Affected: yes.

Labcorp Genetics (formerly Invitae), Labcorp
Classification: Likely pathogenic for Ataxia-telangiectasia syndrome. Last evaluated: 2023-09-13. Review status: criteria provided, single submitter. Criteria: Invitae Variant Classification Sherloc (09022015). Collection method: clinical testing. Allele origin: germline.
Comment: In summary, the currently available evidence indicates that the variant is pathogenic, but additional data are needed to prove that conclusively. Therefore, this variant has been classified as Likely Pathogenic. Algorithms developed to predict the effect of sequence changes on RNA splicing suggest that this variant may disrupt the consensus splice site. ClinVar contains an entry for this variant (Variation ID: 2108421). This variant has not been reported in the literature in individuals affected with ATM-related conditions. This variant is not present in population databases (gnomAD no frequency). This sequence change affects a donor splice site in intron 36 of the ATM gene. It is expected to disrupt RNA splicing. Variants that disrupt the donor or acceptor splice site typically lead to a loss of protein function (PMID: 16199547), and loss-of-function variants in ATM are known to be pathogenic (PMID: 23807571, 25614872).

Literature cited by the submitters: PubMed 16199547 (cited by Labcorp Genetics (formerly Invitae), Labcorp); PubMed 23807571 (cited by Labcorp Genetics (formerly Invitae), Labcorp); PubMed 25614872 (cited by Labcorp Genetics (formerly Invitae), Labcorp).

NM_000051.4(ATM):c.5496+2T>A

Gene: ATM (ATM serine/threonine kinase; plus strand). Cytogenetic location: 11q22.3.
Variant type: single nucleotide variant.
Coding change: c.5496+2T>A on transcript NM_000051.4 (MANE Select); the canonical splice donor site of the intron after coding-DNA position 5496, T replaced by A.
Molecular consequence: splice donor variant.
Genome position (GRCh38, 1-based): chr11:108,303,031, T>A. VCF-style: chr11-108303031-T-A. GRCh37 (hg19) VCF-style: chr11-108173758-T-A.
Other names: c.5496+2T>A (NM_001351834.2).
Identifiers: ClinVar variation 2108421 (VCV002108421.5), dbSNP rs1591713093, ClinGen allele CA382544533.